The following is an entry in ClinVar:

ClinVar aggregate classification (germline): Pathogenic/Likely pathogenic. Review status: criteria provided, multiple submitters, no conflicts (2 of 4 stars). 4 submissions from 4 submitters: Pathogenic (1); Likely pathogenic (2). 1 of the submissions does not count toward it. Last evaluated 2026-05-29.

Conditions:
Hereditary cancer-predisposing syndrome. Also called: Neoplastic Syndromes, Hereditary; Tumor predisposition; Hereditary neoplastic syndrome; Hereditary Cancer Syndrome. Identifiers: Orphanet 140162, MedGen C0027672, MeSH D009386, MONDO:0015356.
Retinoblastoma (RB1). Also called: RETINOBLASTOMA, SOMATIC. Identifiers: Orphanet 790, MedGen C0035335, MeSH D012175, MONDO:0008380, OMIM 180200, HP:0009919. Disease mechanism: loss of function. Inheritance: Both sporadic and heritable forms are tested..

Submissions (4):

Diller/Parad Lab, Dana-Farber/Harvard Cancer Center
Classification: Likely pathogenic for Retinoblastoma. Last evaluated: 2026-05-29. Review status: criteria provided, single submitter. Criteria: ACMG Guidelines, 2015. Collection method: research. Allele origin: germline. Affected: yes.
Comment: It has been classified as Likely Pathogenic using Richards et al (PMID:25741868) based on the following evidence codes: PM2, PM1, PP3.

Labcorp Genetics (formerly Invitae), Labcorp
Classification: Pathogenic for Retinoblastoma. Last evaluated: 2020-03-05. Review status: criteria provided, single submitter. Criteria: Invitae Variant Classification Sherloc (09022015). Collection method: clinical testing. Allele origin: germline.
Comment: This variant is not present in population databases (ExAC no frequency). For these reasons, this variant has been classified as Pathogenic. Donor and acceptor splice site variants typically lead to a loss of protein function (PMID: 16199547), and loss-of-function variants in RB1 are known to be pathogenic (PMID: 17096365). This variant has been observed in individual(s) with bilateral retinoblastoma (Invitae). ClinVar contains an entry for this variant (Variation ID: 126827). This sequence change affects a donor splice site in intron 10 of the RB1 gene. It is expected to disrupt RNA splicing and likely results in an absent or disrupted protein product.

Ambry Genetics
Classification: Likely pathogenic for Hereditary cancer-predisposing syndrome. Last evaluated: 2013-11-11. Review status: criteria provided, single submitter. Criteria: Ambry Autosomal Dominant and X-Linked criteria (10/2015). Collection method: clinical testing. Allele origin: germline. Observed: 1 variant allele.
Comment: Ã¢â‚¬â€¹The c.1049+1G>A intronic variant results from a G to A substitution 1 nucleotide after coding exon 10 in the RB1 gene. This variant was not reported in population-based cohorts in the following databases: Database of Single Nucleotide Polymorphisms (dbSNP), NHLBI Exome Sequencing Project (ESP) and 1000 Genomes Project.Based on nucleotide sequence alignment, this position is highly conserved in available vertebrate species. Using the BDGP and ESEfinder splice site prediction tools, this alteration is predicted to abolish the native donor splice site; however, direct evidence is unavailable. Based on the majority of available evidence to date, this variant is likely to be pathogenic.

Genetic Diagnostic Laboratory, University of Pennsylvania School of Medicine
Classification: Pathogenic for Retinoblastoma. Last evaluated: 2013-09-16. Review status: no assertion criteria provided. Collection method: research. Allele origin: somatic. Affected: yes. Not counted in ClinVar's aggregate classification.

Literature cited by the submitters: PubMed 16199547 (cited by Labcorp Genetics (formerly Invitae), Labcorp); PubMed 17096365 (cited by Labcorp Genetics (formerly Invitae), Labcorp).

NM_000321.3(RB1):c.1049+1G>A

Gene: RB1 (RB transcriptional corepressor 1; plus strand). Cytogenetic location: 13q14.2.
Variant type: single nucleotide variant.
Coding change: c.1049+1G>A on transcript NM_000321.3 (MANE Select); the canonical splice donor site of the intron after coding-DNA position 1049, G replaced by A.
Molecular consequence: splice donor variant.
Genome position (GRCh38, 1-based): chr13:48,367,604, G>A. VCF-style: chr13-48367604-G-A. GRCh37 (hg19) VCF-style: chr13-48941740-G-A.
Other names: L11910:g.64440G>A; c.1049+1G>A (NM_001407165.1, NM_001407166.1).
Identifiers: ClinVar variation 126827 (VCV000126827.13), dbSNP rs587776782, ClinGen allele CA026360.